The following is an entry in ClinVar:

ClinVar aggregate classification (germline): Uncertain significance (1 of 4 stars; one submission).

Conditions:
Primary ciliary dyskinesia. Also called: Ciliary dyskinesia. Identifiers: Orphanet 244, MedGen C0008780, MONDO:0016575, HP:0012265.

Allele frequency attached by ClinVar (database versions not stated): TOPMed below 0.00001; gnomAD exomes 0.00001.

Submission:

Labcorp Genetics (formerly Invitae), Labcorp
Classification: Uncertain significance for Primary ciliary dyskinesia. Last evaluated: 2019-05-02. Review status: criteria provided, single submitter. Criteria: Invitae Variant Classification Sherloc (09022015). Collection method: clinical testing. Allele origin: germline.
Comment: Algorithms developed to predict the effect of missense changes on protein structure and function are either unavailable or do not agree on the potential impact of this missense change (SIFT: "Deleterious"; PolyPhen-2: "Probably Damaging"; Align-GVGD: "Class C0"). In summary, the available evidence is currently insufficient to determine the role of this variant in disease. Therefore, it has been classified as a Variant of Uncertain Significance. This sequence change replaces phenylalanine with serine at codon 322 of the RSPH4A protein (p.Phe322Ser). The phenylalanine residue is moderately conserved and there is a large physicochemical difference between phenylalanine and serine. This variant is not present in population databases (ExAC no frequency). This variant has not been reported in the literature in individuals with RSPH4A-related conditions.

NM_001010892.3(RSPH4A):c.965T>C (p.Phe322Ser)

Gene: RSPH4A (radial spoke head component 4A; plus strand). Cytogenetic location: 6q22.1.
Variant type: single nucleotide variant.
Coding change: c.965T>C on transcript NM_001010892.3 (MANE Select); coding-DNA position 965, T replaced by C.
Protein change: p.Phe322Ser; replaces phenylalanine 322 with serine.
Molecular consequence: missense variant.
Genome position (GRCh38, 1-based): chr6:116,627,672, T>C. VCF-style: chr6-116627672-T-C. GRCh37 (hg19) VCF-style: chr6-116948835-T-C.
Other names: c.965T>C, p.Phe322Ser (NM_001161664.2); short protein forms F322S.
Identifiers: ClinVar variation 851726 (VCV000851726.10), dbSNP rs1428425636, ClinGen allele CA365403104.
Genomic context (GRCh38, chr6:116,627,672, plus strand): 5'-AGCATTTGTTTCCCCAGGCAGAAAACGCTCTTCCAAATGTAATGGAGTCAGCTTTTTATT[T>C]TGAACAAGCTGGAGTTGGTTTGGGCACAGATGAGACATACCGCATATTTCTTGCCCTCAA-3'
Protein context (NP_001010892.1, residues 312-332): LPNVMESAFY[Phe322Ser]EQAGVGLGTD